The following is an entry in ClinVar:

ClinVar aggregate classification (germline): Uncertain significance (1 of 4 stars; one submission).

Conditions:
Tolchin-Le Caignec syndrome. Also called: INTELLECTUAL DEVELOPMENTAL DISORDER WITH BEHAVIORAL ABNORMALITIES AND VARIABLE BONE DEFECTS. Identifiers: MedGen C5436509, MONDO:0033544, OMIM 618971.

gnomAD v4.1: 2 of 1,612,472 alleles (0.00012%); highest among the groups gnomAD compares: East Asian, 0.0045%; no homozygotes.

Submission:

Juno Genomics, Hangzhou Juno Genomics, Inc
Classification: Uncertain significance for Tolchin-Le Caignec syndrome. Review status: criteria provided, single submitter. Criteria: ACMG Guidelines, 2015. Collection method: clinical testing. Allele origin: germline.
Comment: Absent from controls (or at extremely low frequency if recessive) in Genome Aggregation Database.;Missense variant in a gene that has a low rate of benign missense variation.;Multiple lines of computational evidence support a deleterious effect on the gene or gene product.

NM_001367873.1(SOX6):c.804G>T (p.Met268Ile)

Genes: SOX6 (SRY-box transcription factor 6; minus strand), LOC128772343 (melanoma risk locus-associated MPRA allelic enhancer 11:16133413; plus strand). Cytogenetic location: 11p15.2.
Variant type: single nucleotide variant.
Coding change: c.804G>T on transcript NM_001367873.1 (MANE Select); coding-DNA position 804, G replaced by T.
Protein change: p.Met268Ile; replaces methionine 268 with isoleucine.
Molecular consequence: missense variant.
Genome position (GRCh38, 1-based): chr11:16,111,897, C>A on the plus strand (G>T on the coding strand, the complement: SOX6 is on the minus strand). VCF-style: chr11-16111897-C-A. GRCh37 (hg19) VCF-style: chr11-16133443-C-A.
Other names: c.804G>T, p.Met268Ile (NM_001145811.2, NM_001145819.2, NM_001367872.1 and 2 more transcripts); short protein forms M268I.
Identifiers: ClinVar variation 5007821 (VCV005007821.2).